The following is an entry in ClinVar:

NM_000238.4(KCNH2):c.1648C>T (p.Leu550=)

Gene: KCNH2 (potassium voltage-gated channel subfamily H member 2; minus strand). Cytogenetic location: 7q36.1.
Variant type: single nucleotide variant.
Coding change: c.1648C>T on transcript NM_000238.4 (MANE Select); coding-DNA position 1648, C replaced by T.
Protein change: p.Leu550=; no amino-acid change (leucine 550 retained).
Molecular consequence: synonymous variant. On other transcripts: non-coding transcript variant (2).
Genome position (GRCh38, 1-based): chr7:150,951,745, G>A on the plus strand (C>T on the coding strand, the complement: KCNH2 is on the minus strand). VCF-style: chr7-150951745-G-A. GRCh37 (hg19) VCF-style: chr7-150648833-G-A.
Other names: c.628C>T, p.Leu210= (NM_001204798.2, NM_172057.3); c.1360C>T, p.Leu454= (NM_001406753.1, NM_001406756.1); c.1471C>T, p.Leu491= (NM_001406755.1); c.1348C>T, p.Leu450= (NM_001406757.1); c.1648C>T, p.Leu550= (NM_172056.3).
Identifiers: ClinVar variation 390928 (VCV000390928.17), dbSNP rs773783499, ClinGen allele CA029112.

ClinVar aggregate classification (germline): Likely benign. Review status: criteria provided, multiple submitters, no conflicts (2 of 4 stars). 5 submissions from 5 submitters: Likely benign (5). Last evaluated 2025-12-16.

Conditions:
Long QT syndrome (LQTS). Identifiers: MedGen C0023976, MeSH D008133, MONDO:0002442. Disease mechanism: loss of function. Inheritance: Various modes of inheritance.
Cardiovascular phenotype. Identifiers: MedGen CN230736.
Cardiac arrhythmia. Also called: Cardiac rhythm disease; Arrhythmia. Identifiers: MedGen C0003811, MONDO:0007263, HP:0011675.

Allele frequency attached by ClinVar (database versions not stated): gnomAD exomes below 0.00001 and 0.00004; ExAC 0.00001; TOPMed 0.00002; gnomAD 0.00003.
gnomAD v4.1: 61 of 1,610,940 alleles (0.0038%); highest among the groups gnomAD compares: Non-Finnish European, 0.0044%; no homozygotes.

Submissions (5):

Labcorp Genetics (formerly Invitae), Labcorp
Classification: Likely benign for Long QT syndrome. Last evaluated: 2025-12-16. Review status: criteria provided, single submitter. Criteria: Invitae Variant Classification Sherloc (09022015). Collection method: clinical testing. Allele origin: germline.

All of Us Research Program, National Institutes of Health
Classification: Likely benign for Long QT syndrome. Last evaluated: 2023-07-22. Review status: criteria provided, single submitter. Criteria: ACMG Guidelines, 2015. Collection method: clinical testing. Allele origin: germline. Inheritance: Autosomal dominant inheritance. Observed: 5 variant alleles, 5 heterozygotes.
Comment: This study involves interpretation of variants in research participants for the purpose of population health screening. Participant phenotype was not available at the time of variant classification. Additional details can be found in publication PMID: 35346344, PMCID: PMC8962531

Ambry Genetics
Classification: Likely benign for Cardiovascular phenotype. Last evaluated: 2023-05-12. Review status: criteria provided, single submitter. Criteria: Ambry Variant Classification Scheme 2023. Collection method: clinical testing. Allele origin: germline.

Color Diagnostics, LLC DBA Color Health
Classification: Likely benign for Arrhythmia. Last evaluated: 2018-12-10. Review status: criteria provided, single submitter. Criteria: ACMG Guidelines, 2015. Collection method: clinical testing. Allele origin: germline.

GeneDx
Classification: Likely benign. Last evaluated: 2017-08-08. Review status: criteria provided, single submitter. Criteria: GeneDx Variant Classification (06012015). Collection method: clinical testing. Allele origin: germline. Affected: yes.
Comment: This variant is considered likely benign or benign based on one or more of the following criteria: it is a conservative change, it occurs at a poorly conserved position in the protein, it is predicted to be benign by multiple in silico algorithms, and/or has population frequency not consistent with disease.